The following is an entry in ClinVar:

NM_000384.3(APOB):c.3122G>A (p.Gly1041Asp)

Gene: APOB (apolipoprotein B; minus strand). Cytogenetic location: 2p24.1.
Variant type: single nucleotide variant.
Coding change: c.3122G>A on transcript NM_000384.3 (MANE Select); coding-DNA position 3122, G replaced by A.
Protein change: p.Gly1041Asp; replaces glycine 1041 with aspartic acid.
Molecular consequence: missense variant.
Genome position (GRCh38, 1-based): chr2:21,016,649, C>T on the plus strand (G>A on the coding strand, the complement: APOB is on the minus strand). VCF-style: chr2-21016649-C-T. GRCh37 (hg19) VCF-style: chr2-21239521-C-T.
Other names: short protein forms G1041D.
Identifiers: ClinVar variation 630327 (VCV000630327.9), dbSNP rs756341086, ClinGen allele CA058097.

ClinVar aggregate classification (germline): Uncertain significance. Review status: criteria provided, multiple submitters, no conflicts (2 of 4 stars). 3 submissions from 3 submitters: Uncertain significance (3). Last evaluated 2025-12-21.

Conditions:
Cardiovascular phenotype. Identifiers: MedGen CN230736.
Familial hypobetalipoproteinemia 1. Also called: Hypobetalipoproteinemia, normotriglyceridemic; Acanthocytosis with hypobetalipoproteinemia; APOB-Related Familial Hypobetalipoproteinemia. Identifiers: MedGen C4551990, MONDO:0014252, OMIM 615558.
Hypercholesterolemia, autosomal dominant, type B (FHCL2). Also called: Familial Hypercholesterolemia Type B; APOLIPOPROTEIN B-100, FAMILIAL DEFECTIVE; APOLIPOPROTEIN B-100, FAMILIAL LIGAND-DEFECTIVE; APOB-Related Familial Hypercholesterolemia, Autosomal Dominant; Hyperlipoproteinemia Type IIb; HYPERCHOLESTEROLEMIA, FAMILIAL, DUE TO LIGAND-DEFECTIVE APOLIPOPROTEIN B. Identifiers: MedGen C1704417, MONDO:0007751, OMIM 144010.

Allele frequency attached by ClinVar (database versions not stated): gnomAD 0.00001; gnomAD exomes 0.00001; TOPMed 0.00001; ExAC 0.00002.
gnomAD v4.1: 13 of 1,587,948 alleles (0.00082%); highest among the groups gnomAD compares: Non-Finnish European, 0.0011%; no homozygotes.

Submissions (3):

Ambry Genetics
Classification: Uncertain significance for Cardiovascular phenotype. Last evaluated: 2025-12-21. Review status: criteria provided, single submitter. Criteria: Ambry Variant Classification Scheme 2023. Collection method: clinical testing. Allele origin: germline.
Comment: The p.G1041D variant (also known as c.3122G>A) is located in coding exon 21 of the APOB gene. The glycine at codon 1041 is replaced by aspartic acid, an amino acid with similar properties. This change occurs in the first base pair of coding exon 21. This amino acid position is conserved. In addition, this alteration is predicted to be tolerated by in silico analysis. Since supporting evidence is limited at this time, the clinical significance of this alteration remains unclear.

Labcorp Genetics (formerly Invitae), Labcorp
Classification: Uncertain significance for Familial hypobetalipoproteinemia 1; Hypercholesterolemia, autosomal dominant, type B. Last evaluated: 2025-05-23. Review status: criteria provided, single submitter. Criteria: Invitae Variant Classification Sherloc (09022015). Collection method: clinical testing. Allele origin: germline.
Comment: This sequence change replaces glycine, which is neutral and non-polar, with aspartic acid, which is acidic and polar, at codon 1041 of the APOB protein (p.Gly1041Asp). This variant is present in population databases (rs756341086, gnomAD 0.003%). This variant has not been reported in the literature in individuals affected with APOB-related conditions. ClinVar contains an entry for this variant (Variation ID: 630327). An algorithm developed to predict the effect of missense changes on protein structure and function outputs the following: PolyPhen-2: "Probably Damaging". The aspartic acid amino acid residue is found in multiple mammalian species, which suggests that this missense change does not adversely affect protein function. In summary, the available evidence is currently insufficient to determine the role of this variant in disease. Therefore, it has been classified as a Variant of Uncertain Significance.

Blueprint Genetics
Classification: Uncertain significance. Last evaluated: 2021-03-16. Review status: criteria provided, single submitter. Criteria: ACMG Guidelines, 2015. Collection method: clinical testing. Allele origin: germline.